The following is an entry in ClinVar:

NM_001346754.2(PIGW):c.1063T>C (p.Tyr355His)

Genes: MYO19 (myosin XIX; minus strand), PIGW (phosphatidylinositol glycan anchor biosynthesis class W; plus strand). Cytogenetic location: 17q12.
Variant type: single nucleotide variant.
Coding change: c.1063T>C on transcript NM_001346754.2 (MANE Select); coding-DNA position 1063, T replaced by C.
Protein change: p.Tyr355His; replaces tyrosine 355 with histidine.
Molecular consequence: missense variant.
Genome position (GRCh38, 1-based): chr17:36,538,164, T>C. VCF-style: chr17-36538164-T-C. GRCh37 (hg19) VCF-style: chr17-34894013-T-C.
Other names: c.1063T>C, p.Tyr355His (NM_001346755.2, NM_178517.5); short protein forms Y355H.
Identifiers: ClinVar variation 1368153 (VCV001368153.4), dbSNP rs758655367, ClinGen allele CA290116570.
Genomic context (GRCh38, chr17:36,538,164, plus strand): 5'-GACTTGATAAAAGTAGCCTGTTTTCTTTTACTGGCAGCTATTAGCCTCTTCATATCTCTT[T>C]ACGTAGTTCAAGTAAATGTAGAAGCAGTATCTCGAAGAATGGCAAATTTAGCCTTTTGTA-3'
Protein context (NP_001333683.1, residues 345-365): LAAISLFISL[Tyr355His]VVQVNVEAVS

ClinVar aggregate classification (germline): Uncertain significance (1 of 4 stars; one submission).

Conditions:
Hyperphosphatasia with intellectual disability syndrome 5 (GPIBD11). Also called: GLYCOSYLPHOSPHATIDYLINOSITOL BIOSYNTHESIS DEFECT 11. Identifiers: Orphanet 247262, MedGen C4014958, MONDO:0014457, OMIM 616025.

gnomAD v4.1: 4 of 1,614,018 alleles (0.00025%); highest among the groups gnomAD compares: Admixed American, 0.005%; no homozygotes.

Submission:

Labcorp Genetics (formerly Invitae), Labcorp
Classification: Uncertain significance for Hyperphosphatasia with intellectual disability syndrome 5. Last evaluated: 2023-12-11. Review status: criteria provided, single submitter. Criteria: Invitae Variant Classification Sherloc (09022015). Collection method: clinical testing. Allele origin: germline.
Comment: This sequence change replaces tyrosine, which is neutral and polar, with histidine, which is basic and polar, at codon 355 of the PIGW protein (p.Tyr355His). This variant is present in population databases (rs758655367, gnomAD 0.01%). This variant has not been reported in the literature in individuals affected with PIGW-related conditions. ClinVar contains an entry for this variant (Variation ID: 1368153). Advanced modeling of protein sequence and biophysical properties (such as structural, functional, and spatial information, amino acid conservation, physicochemical variation, residue mobility, and thermodynamic stability) performed at Invitae indicates that this missense variant is not expected to disrupt PIGW protein function with a negative predictive value of 80%. In summary, the available evidence is currently insufficient to determine the role of this variant in disease. Therefore, it has been classified as a Variant of Uncertain Significance.